The following is an entry in ClinVar:

NM_000055.4(BCHE):c.1253G>C (p.Gly418Ala)

Gene: BCHE (butyrylcholinesterase; minus strand). Cytogenetic location: 3q26.1.
Variant type: single nucleotide variant.
Coding change: c.1253G>C on transcript NM_000055.4 (MANE Select); coding-DNA position 1253, G replaced by C.
Protein change: p.Gly418Ala; replaces glycine 418 with alanine.
Molecular consequence: missense variant. On other transcripts: non-coding transcript variant (1).
Genome position (GRCh38, 1-based): chr3:165,829,781, C>G on the plus strand (G>C on the coding strand, the complement: BCHE is on the minus strand). VCF-style: chr3-165829781-C-G. GRCh37 (hg19) VCF-style: chr3-165547569-C-G.
Other names: short protein forms G418A.
Identifiers: ClinVar variation 3907543 (VCV003907543.1).

ClinVar aggregate classification (germline): Uncertain significance (1 of 4 stars; one submission).

gnomAD v4.1: 2 of 1,613,904 alleles (0.00012%); highest among the groups gnomAD compares: East Asian, 0.0022%; no homozygotes.

Submission:

Women's Health and Genetics/Laboratory Corporation of America, LabCorp
Classification: Uncertain significance. Last evaluated: 2025-06-25. Review status: criteria provided, single submitter. Criteria: LabCorp Variant Classification Summary - May 2015. Collection method: clinical testing. Allele origin: germline.
Comment: Variant summary: BCHE c.1253G>C (p.Gly418Ala) results in a non-conservative amino acid change in the encoded protein sequence. Algorithms developed to predict the effect of missense changes on protein structure and function are either unavailable or do not agree on the potential impact of this missense change. The variant allele was found at a frequency of 4e-06 in 250680 control chromosomes. The available data on variant occurrences in the general population are insufficient to allow any conclusion about variant significance. To our knowledge, no occurrence of c.1253G>C in individuals affected with Deficiency Of Butyrylcholine Esterase and no experimental evidence demonstrating its impact on protein function have been reported. No submitters have cited clinical-significance assessments for this variant to ClinVar. Based on the evidence outlined above, the variant was classified as uncertain significance.